The following is an entry in ClinVar:

ClinVar aggregate classification (germline): Likely pathogenic (1 of 4 stars; one submission).

Submission:

GeneDx
Classification: Likely pathogenic. Last evaluated: 2025-10-09. Review status: criteria provided, single submitter. Criteria: GeneDx Variant Classification Process June 2021. Collection method: clinical testing. Allele origin: germline. Affected: yes.
Comment: Nonsense variant predicted to result in protein truncation or nonsense mediated decay in a gene for which loss of function is a known mechanism of disease; Not observed at significant frequency in large population cohorts (gnomAD); Has not been previously published as pathogenic or benign to our knowledge

NM_006885.4(ZFHX3):c.4834G>T (p.Glu1612Ter)

Genes: ZFHX3 (zinc finger homeobox 3; minus strand), ZFHX3-AS1 (ZFHX3 antisense RNA 1; plus strand). Cytogenetic location: 16q22.2.
Variant type: single nucleotide variant.
Coding change: c.4834G>T on transcript NM_006885.4 (MANE Select); coding-DNA position 4834, G replaced by T.
Protein change: p.Glu1612Ter; replaces glutamic acid 1612 with a stop codon.
Molecular consequence: nonsense.
Genome position (GRCh38, 1-based): chr16:72,797,848, C>A on the plus strand (G>T on the coding strand, the complement: ZFHX3 is on the minus strand). VCF-style: chr16-72797848-C-A. GRCh37 (hg19) VCF-style: chr16-72831747-C-A.
Other names: c.2092G>T, p.Glu698Ter (NM_001164766.2); c.4834G>T, p.Glu1612Ter (NM_001386735.1); short protein forms E1612*, E698*.
Identifiers: ClinVar variation 3372126 (VCV003372126.2).